The following is an entry in ClinVar:

NM_001162501.2(TNRC6B):c.4974+2T>A

Gene: TNRC6B (trinucleotide repeat containing adaptor 6B; plus strand). Cytogenetic location: 22q13.1.
Variant type: single nucleotide variant.
Coding change: c.4974+2T>A on transcript NM_001162501.2 (MANE Select); the canonical splice donor site of the intron after coding-DNA position 4974, T replaced by A.
Molecular consequence: splice donor variant.
Genome position (GRCh38, 1-based): chr22:40,316,014, T>A. VCF-style: chr22-40316014-T-A. GRCh37 (hg19) VCF-style: chr22-40712018-T-A.
Other names: c.2562+2T>A (NM_001024843.2); c.4644+2T>A (NM_015088.3).
Identifiers: ClinVar variation 1700781 (VCV001700781.2), dbSNP rs2146570387, ClinGen allele CA411670980.

ClinVar aggregate classification (germline): Pathogenic (1 of 4 stars; one submission).

Submission:

GeneDx
Classification: Pathogenic. Last evaluated: 2022-08-10. Review status: criteria provided, single submitter. Criteria: GeneDx Variant Classification Process June 2021. Collection method: clinical testing. Allele origin: germline. Affected: yes.
Comment: Not observed at significant frequency in large population cohorts (gnomAD); Canonical splice site variant predicted to result in a null allele in a gene for which loss of function is a known mechanism of disease; Has not been previously published as pathogenic or benign to our knowledge